The following is an entry in ClinVar:

NM_001360016.2(G6PD):c.835A>T (p.Thr279Ser)

Gene: G6PD (glucose-6-phosphate dehydrogenase; minus strand). Cytogenetic location: Xq28.
Variant type: single nucleotide variant.
Coding change: c.835A>T on transcript NM_001360016.2 (MANE Select); coding-DNA position 835, A replaced by T.
Protein change: p.Thr279Ser; replaces threonine 279 with serine.
Molecular consequence: missense variant.
Genome position (GRCh38, 1-based): chrX:154,533,605, T>A on the plus strand (A>T on the coding strand, the complement: G6PD is on the minus strand). VCF-style: chrX-154533605-T-A. GRCh37 (hg19) VCF-style: chrX-153761820-T-A.
Other names: G6PD Chinese-1; c.835A>T (NM_001042351.1, NM_001360016.1); c.835A>T, p.Thr279Ser (NM_001042351.3); c.925A>T, p.Thr309Ser (NM_000402.4); short protein forms T279S, T309S.
Identifiers: ClinVar variation 1324435 (VCV001324435.14), dbSNP rs2148329890, ClinGen allele CA415235160.

ClinVar aggregate classification (germline): Conflicting classifications of pathogenicity. Review status: criteria provided, conflicting classifications (1 of 4 stars). 7 submissions from 7 submitters: Pathogenic (2); Likely pathogenic (4); Uncertain significance (1). Last evaluated 2024-07-02.

Conditions:
G6PD deficiency. Also called: G6PD A-. Identifiers: MedGen C2939465, MONDO:0005775.
Anemia, nonspherocytic hemolytic, due to G6PD deficiency (CNSHA1). Also called: Hemolytic anemia due to G6PD deficiency; Class I glucose-6-phosphate dehydrogenase deficiency; Favism, susceptibility to; ANEMIA, CONGENITAL, NONSPHEROCYTIC HEMOLYTIC, 1. Identifiers: Orphanet 466026, MedGen C2720289, MONDO:0010480, OMIM 300908.
Malaria, susceptibility to. Identifiers: Orphanet 673, MedGen C1970028, MONDO:0021024, OMIM 611162.

Submissions (7):

Women's Health and Genetics/Laboratory Corporation of America, LabCorp
Classification: Pathogenic for G6PD deficiency. Last evaluated: 2024-07-02. Review status: criteria provided, single submitter. Criteria: LabCorp Variant Classification Summary - May 2015. Collection method: clinical testing. Allele origin: germline.
Comment: Variant summary: G6PD c.925A>T (p.Thr309Ser) results in a conservative amino acid change located in the glucose-6-phosphate dehydrogenase, NAD-binding domain (IPR022674) of the encoded protein sequence. Three of five in-silico tools predict a benign effect of the variant on protein function. The variant was absent in 183272 control chromosomes. c.925A>T has been reported in the literature in multiple individuals affected with Glucose 6 Phosphate Dehydrogenase Deficiency (e.g. Beutler_1992, Gao_2020, Xia_2016, Yan_2010). These data indicate that the variant is very likely to be associated with disease. This variant is also known as c.835A>T(p.T279S) and Chinese-1. The following publications have been ascertained in the context of this evaluation (PMID: 1459579, 34134107, 27495838, 20203002). ClinVar contains an entry for this variant (Variation ID: 1324435). Based on the evidence outlined above, the variant was classified as pathogenic.

Labcorp Genetics (formerly Invitae), Labcorp
Classification: Pathogenic for Anemia, nonspherocytic hemolytic, due to G6PD deficiency. Last evaluated: 2023-11-14. Review status: criteria provided, single submitter. Criteria: Invitae Variant Classification Sherloc (09022015). Collection method: clinical testing. Allele origin: germline.
Comment: This sequence change replaces threonine, which is neutral and polar, with serine, which is neutral and polar, at codon 279 of the G6PD protein (p.Thr279Ser). This variant is not present in population databases (gnomAD no frequency). This missense change has been observed in individual(s) with G6PD deficiency (PMID: 1459579, 20203002, 27495838). This variant is also known as Chinese-1. ClinVar contains an entry for this variant (Variation ID: 1324435). Advanced modeling of protein sequence and biophysical properties (such as structural, functional, and spatial information, amino acid conservation, physicochemical variation, residue mobility, and thermodynamic stability) performed at Invitae indicates that this missense variant is expected to disrupt G6PD protein function with a positive predictive value of 80%. This variant disrupts the p.Thr279 amino acid residue in G6PD. Other variant(s) that disrupt this residue have been observed in individuals with G6PD-related conditions (PMID: 11295127, 27495838), which suggests that this may be a clinically significant amino acid residue. For these reasons, this variant has been classified as Pathogenic.

Victorian Clinical Genetics Services, Murdoch Childrens Research Institute
Classification: Uncertain significance for Anemia, nonspherocytic hemolytic, due to G6PD deficiency. Last evaluated: 2023-07-17. Review status: criteria provided, single submitter. Criteria: ACMG Guidelines, 2015. Collection method: clinical testing. Allele origin: germline. Inheritance: X-linked recessive inheritance.
Comment: Based on the classification scheme VCGS_Germline_v1.3.4, this variant is classified as VUS-3A. Following criteria are met: 0102 - Loss of function is a known mechanism of disease in this gene and is associated with G6PD deficient haemolytic anaemia (favism) (MIM#300908). (I) 0109 - This gene is associated with X-linked recessive disease. Hemizygous males and homozygous females are commonly affected, however some heterozygous female carriers can also be affected depending on X inactivation. (I) 0200 - Variant is predicted to result in a missense amino acid change from threonine to serine. (I) 0253 - This variant is hemizygous. (I) 0301 - Variant is absent from gnomAD (both v2 and v3). (SP) 0502 - Missense variant with conflicting in silico predictions and uninformative conservation. (I) 0600 - Variant is located in the annotated G6PD_C domain (DECIPHER). (I) 0704 - Another missense variant comparable to the one identified in this case has limited previous evidence for pathogenicity. A change to alanine has been reported in an individual with G6PD deficiency, however it is unclear whether they presented with anemia (PMID: 11295127). (SP) 0803 - This variant has limited previous evidence of pathogenicity in unrelated individuals. It has been reported as likely pathogenic in ClinVar and detected in individuals with reduced G6PD enzyme activity levels in Chinese newborn screening and anemia screening (PMIDs: 36212142, 27495838, 1459579, 11295127), however it is unclear whether they presented with anemia. (SP) 1002 - This variant has moderate functional evidence supporting abnormal protein function. Enzyme activity and or G6PD/6PGD ratio was reduced in individuals going through newborn or anemia screening (PMIDs: 36212142, 27495838, 1459579, 11295127). (I) Legend: (SP) - Supporting pathogenic, (I) - Information, (SB) - Supporting benign

Baylor Genetics
Classification: Likely pathogenic for Malaria, susceptibility to. Last evaluated: 2023-05-14. Review status: criteria provided, single submitter. Criteria: ACMG Guidelines, 2015. Collection method: clinical testing. Allele origin: unknown.

Dunham Lab, University of Washington
Classification: Likely pathogenic for Anemia, nonspherocytic hemolytic, due to G6PD deficiency. Last evaluated: 2022-08-12. Review status: criteria provided, single submitter. Criteria: Bayesian ACMG Guidelines, 2018. Collection method: curation. Allele origin: unknown. Affected: yes.
Comment: Variant found in hemizygotes with G6PD deficiency (PP4). Decreased activity in red blood cells (20-40%) (PS3). Not found in gnomAD (PM2). Post_P 0.949 (odds of pathogenicity 168.4, Prior_P 0.1).

Revvity Omics, Revvity
Classification: Likely pathogenic for Anemia, nonspherocytic hemolytic, due to G6PD deficiency. Last evaluated: 2021-04-19. Review status: criteria provided, single submitter. Criteria: ACMG Guidelines, 2015. Collection method: clinical testing. Allele origin: germline.

Juno Genomics, Hangzhou Juno Genomics, Inc
Classification: Likely pathogenic for Anemia, nonspherocytic hemolytic, due to G6PD deficiency; Malaria, susceptibility to. Review status: criteria provided, single submitter. Criteria: ACMG Guidelines, 2015. Collection method: clinical testing. Allele origin: germline.
Comment: Absent from controls (or at extremely low frequency if recessive) in Genome Aggregation Database.;Well-established in vitro or in vivo functional studies supportive of a damaging effect on the gene or gene product.;The prevalence of the variant in affected individuals is significantly increased compared to the prevalence in controls.;Patient's phenotype or family history is highly specific for a disease with a single genetic etiology.;Novel missense change at an amino acid residue where a different missense change determined to be pathogenic has been seen before.

Literature cited by the submitters: PubMed 27495838 (cited by 3 submitters); PubMed 1459579 (cited by 4 submitters); PubMed 34134107 (cited by Women's Health and Genetics/Laboratory Corporation of America, LabCorp); PubMed 20203002 (cited by Women's Health and Genetics/Laboratory Corporation of America, LabCorp and Labcorp Genetics (formerly Invitae), Labcorp); PubMed 11295127 (cited by 3 submitters); PubMed 36212142 (cited by Victorian Clinical Genetics Services, Murdoch Childrens Research Institute); PubMed 8244337 (cited by Dunham Lab, University of Washington).